The following is an entry in ClinVar:

NM_002585.4(PBX1):c.619A>T (p.Lys207Ter)

Gene: PBX1 (PBX homeobox 1; plus strand). Cytogenetic location: 1q23.3.
Variant type: single nucleotide variant.
Coding change: c.619A>T on transcript NM_002585.4 (MANE Select); coding-DNA position 619, A replaced by T.
Protein change: p.Lys207Ter; replaces lysine 207 with a stop codon.
Molecular consequence: nonsense.
Genome position (GRCh38, 1-based): chr1:164,799,807, A>T. VCF-style: chr1-164799807-A-T. GRCh37 (hg19) VCF-style: chr1-164769044-A-T.
Other names: c.619A>T, p.Lys207Ter (NM_001204961.2, NM_001204963.2, NM_001353131.2); c.370A>T, p.Lys124Ter (NM_001353130.1); short protein forms K124*, K207*.
Identifiers: ClinVar variation 5019158 (VCV005019158.1).

ClinVar aggregate classification (germline): Pathogenic (1 of 4 stars; one submission).

Conditions:
Congenital anomalies of kidney and urinary tract syndrome with or without hearing loss, abnormal ears, or developmental delay. Also called: Congenital Anomalies of the Kidney and Urinary Tract syndrome with or without Hearing Loss, Abnormal Ears, or Developmental Delay. Identifiers: Orphanet 656130, MedGen C4539968, MONDO:0060549, OMIM 617641.

Submission:

Juno Genomics, Hangzhou Juno Genomics, Inc
Classification: Pathogenic for Congenital anomalies of kidney and urinary tract syndrome with or without hearing loss, abnormal ears, or developmental delay. Review status: criteria provided, single submitter. Criteria: ACMG Guidelines, 2015. Collection method: clinical testing. Allele origin: germline. Affected: yes.
Comment: Absent from controls (or at extremely low frequency if recessive) in Genome Aggregation Database.;De novo (both maternity and paternity confirmed) in a patient with the disease and no family history.;Null variant in a gene where loss of function (LOF) is a known mechanism of disease.